The following is an entry in ClinVar:

NM_020738.4(KIDINS220):c.3886A>G (p.Ser1296Gly)

Gene: KIDINS220 (kinase D interacting substrate 220; minus strand). Cytogenetic location: 2p25.1.
Variant type: single nucleotide variant.
Coding change: c.3886A>G on transcript NM_020738.4 (MANE Select); coding-DNA position 3886, A replaced by G.
Protein change: p.Ser1296Gly; replaces serine 1296 with glycine.
Molecular consequence: missense variant. On other transcripts: non-coding transcript variant (2).
Genome position (GRCh38, 1-based): chr2:8,733,611, T>C on the plus strand (A>G on the coding strand, the complement: KIDINS220 is on the minus strand). VCF-style: chr2-8733611-T-C. GRCh37 (hg19) VCF-style: chr2-8873741-T-C.
Other names: c.3886A>G (NM_020738.2); c.3889A>G, p.Ser1297Gly (NM_001348729.2); c.3832A>G, p.Ser1278Gly (NM_001348731.2); c.3829A>G, p.Ser1277Gly (NM_001348732.2, NM_001348738.2); c.3718A>G, p.Ser1240Gly (NM_001348734.2, NM_001348739.2, NM_001348740.2); c.3715A>G, p.Ser1239Gly (NM_001348735.2, NM_001348741.2, NM_001348742.2 and 1 more transcripts); c.3589A>G, p.Ser1197Gly (NM_001348736.2); short protein forms S1197G, S1239G, S1240G, S1277G, S1278G, S1296G, S1297G.
Identifiers: ClinVar variation 1049450 (VCV001049450.12), dbSNP rs201077051, ClinGen allele CA1519488.
Genomic context (GRCh38, chr2:8,733,611, plus strand): 5'-TGTGAGGCAGCTCGTTGTGGGAAGCGCGGCGAGCAGGCTCACCGTGCGGGGCTGGGCCAC[T>C]GCTGCTCTCACTGAGGAAACGTGGGTCTTCAGGGACCACGTGGCTTTCTGCGTTTCTCAT-3'
Protein context (NP_065789.1, residues 1286-1306): EDPRFLSESS[Ser1296Gly]GPAPHGEPAR

ClinVar aggregate classification (germline): Conflicting classifications of pathogenicity. Review status: criteria provided, conflicting classifications (1 of 4 stars). 6 submissions from 6 submitters: Uncertain significance (3); Likely benign (2). 1 of the submissions does not count toward it. Last evaluated 2026-02-04.

Conditions:
Early onset severe obesity. Identifiers: MedGen C4013980.
Ventriculomegaly and arthrogryposis. Identifiers: MedGen C5561973, MONDO:0859184, OMIM 619501.
KIDINS220-related disorder. Also called: KIDINS220-related condition.

Allele frequency attached by ClinVar (database versions not stated): gnomAD exomes 0.00004 and 0.00006; gnomAD 0.00023 and 0.00026; ESP Exome Variant Server 0.00024; TOPMed 0.00029; ExAC 0.00005.
gnomAD v4.1: 104 of 1,613,290 alleles (0.0064%); highest among the groups gnomAD compares: African/African-American, 0.085%; no homozygotes.

Submissions (6):

PreventionGenetics, part of Exact Sciences
Classification: Uncertain significance for KIDINS220-related condition. Last evaluated: 2026-02-04. Review status: criteria provided, single submitter. Criteria: ACMG Guidelines, 2015. Collection method: clinical testing. Allele origin: germline.
Comment: The KIDINS220 c.3886A>G variant is predicted to result in the amino acid substitution p.Ser1296Gly. To our knowledge, this variant has not been reported in the literature in association with disease. This variant is reported in 0.062% of alleles in individuals of African descent in gnomAD, which is higher than expected for an unreported cause of disease. Although we suspect this variant may be benign, at this time, the clinical significance is uncertain due to the absence of conclusive functional and genetic evidence.

Labcorp Genetics (formerly Invitae), Labcorp
Classification: Uncertain significance. Last evaluated: 2025-12-15. Review status: criteria provided, single submitter. Criteria: Invitae Variant Classification Sherloc (09022015). Collection method: clinical testing. Allele origin: germline.
Comment: This sequence change replaces serine, which is neutral and polar, with glycine, which is neutral and non-polar, at codon 1296 of the KIDINS220 protein (p.Ser1296Gly). This variant is present in population databases (rs201077051, gnomAD 0.06%). This variant has not been reported in the literature in individuals affected with KIDINS220-related conditions. ClinVar contains an entry for this variant (Variation ID: 1049450). An algorithm developed to predict the effect of missense changes on protein structure and function outputs the following: PolyPhen-2: "Benign". The glycine amino acid residue is found in multiple mammalian species, which suggests that this missense change does not adversely affect protein function. In summary, the available evidence is currently insufficient to determine the role of this variant in disease. Therefore, it has been classified as a Variant of Uncertain Significance.

Cambridge Genomics Laboratory, East Genomic Laboratory Hub, NHS Genomic Medicine Service
Classification: Likely benign for Severe early-onset obesity. Last evaluated: 2024-12-04. Review status: criteria provided, single submitter. Criteria: ACGS Best Practice Guidelines for Variant Classification in Rare Disease 2020. Collection method: clinical testing. Allele origin: germline. Affected: yes.
Comment: PP2,BS1_Strong,BP4

3billion
Classification: Likely benign for Ventriculomegaly and arthrogryposis. Last evaluated: 2024-09-20. Review status: criteria provided, single submitter. Criteria: ACMG Guidelines, 2015. Collection method: clinical testing. Allele origin: germline. Affected: no.
Comment: The homozygous variant was found in patients diagnosed with another variant in a different gene, with no symptoms related to the gene containing the homozygous variant.

Breakthrough Genomics
Classification: Uncertain significance. Review status: criteria provided, single submitter. Criteria: ACMG Guidelines, 2015. Collection method: not provided. Allele origin: germline. Inheritance: Autosomal recessive inheritance. Affected: yes.

Department of Pathology and Laboratory Medicine, Sinai Health System
Classification: Uncertain significance. Review status: no assertion criteria provided. Collection method: clinical testing. Allele origin: unknown. Affected: yes. Study: The Canadian Open Genetics Repository (COGR). Not counted in ClinVar's aggregate classification.
Comment: The KIDINS220 p.Ser1240Gly variant was not identified in the literature nor was it identified in ClinVar or Cosmic. The variant was identified in dbSNP (ID: rs201077051), LOVD 3.0 and in control databases in 20 of 279986 chromosomes at a frequency of 0.000071 (Genome Aggregation Database Feb 27, 2017). The variant was observed in the following populations: African in 15 of 24184 chromosomes (freq: 0.00062), Other in 1 of 7132 chromosomes (freq: 0.00014), Latino in 3 of 35178 chromosomes (freq: 0.000085) and South Asian in 1 of 30546 chromosomes (freq: 0.000033), while the variant was not observed in the Ashkenazi Jewish, East Asian, European (Finnish), and European (non-Finnish) populations. The p.Ser1240 residue is conserved in mammals but not in more distantly related organisms however computational analyses (PolyPhen-2, SIFT, AlignGVGD, BLOSUM, MutationTaster) do not suggest a high likelihood of impact to the protein; this information is not predictive enough to rule out pathogenicity. The variant occurs outside of the splicing consensus sequence and in silico or computational prediction software programs (SpliceSiteFinder, MaxEntScan, NNSPLICE, GeneSplicer) do not predict a difference in splicing. In summary, based on the above information the clinical significance of this variant cannot be determined with certainty at this time. This variant is classified as a variant of uncertain significance.